The following is an entry in ClinVar:

NM_001134363.3(RBM20):c.3216C>T (p.Pro1072=)

Gene: RBM20 (RNA binding motif protein 20; plus strand). Cytogenetic location: 10q25.2.
Variant type: single nucleotide variant.
Coding change: c.3216C>T on transcript NM_001134363.3 (MANE Select); coding-DNA position 3216, C replaced by T.
Protein change: p.Pro1072=; no amino-acid change (proline 1072 retained).
Molecular consequence: synonymous variant.
Genome position (GRCh38, 1-based): chr10:110,821,835, C>T. VCF-style: chr10-110821835-C-T. GRCh37 (hg19) VCF-style: chr10-112581593-C-T.
Other names: c.3216C>T (LRG_382t1).
Identifiers: ClinVar variation 416821 (VCV000416821.23), dbSNP rs370346662, ClinGen allele CA5688739.

ClinVar aggregate classification (germline): Likely benign. Review status: criteria provided, multiple submitters, no conflicts (2 of 4 stars). 4 submissions from 4 submitters: Likely benign (4). Last evaluated 2025-10-01.

Conditions:
Cardiovascular phenotype. Identifiers: MedGen CN230736.
Dilated cardiomyopathy 1DD (CMD1DD). Identifiers: Orphanet 154, MedGen C2750995, MONDO:0013168, OMIM 613172.

Allele frequency attached by ClinVar (database versions not stated): gnomAD 0.00001 and 0.00002; gnomAD exomes 0.00001 and 0.00004; TOPMed 0.00002; ExAC 0.00005.
gnomAD v4.1: 17 of 1,551,588 alleles (0.0011%); highest among the groups gnomAD compares: Admixed American, 0.0078%; no homozygotes.

Submissions (4):

CeGaT Center for Human Genetics Tuebingen
Classification: Likely benign. Last evaluated: 2025-10-01. Review status: criteria provided, single submitter. Criteria: CeGaT Center For Human Genetics Tuebingen Variant Classification Criteria Version 2. Collection method: clinical testing. Allele origin: germline. Affected: yes. Observed: 1 variant allele.
Comment: RBM20: BP4, BP7

Labcorp Genetics (formerly Invitae), Labcorp
Classification: Likely benign for Dilated cardiomyopathy 1DD. Last evaluated: 2025-08-06. Review status: criteria provided, single submitter. Criteria: Invitae Variant Classification Sherloc (09022015). Collection method: clinical testing. Allele origin: germline.

GeneDx
Classification: Likely benign. Last evaluated: 2020-11-04. Review status: criteria provided, single submitter. Criteria: GeneDx Variant Classification Process June 2021. Collection method: clinical testing. Allele origin: germline. Affected: yes.

Ambry Genetics
Classification: Likely benign for Cardiovascular phenotype. Last evaluated: 2018-08-06. Review status: criteria provided, single submitter. Criteria: Ambry Variant Classification Scheme 2023. Collection method: clinical testing. Allele origin: germline.